The following is an entry in ClinVar:

NM_001161352.2(KCNMA1):c.1964A>T (p.Gln655Leu)

Gene: KCNMA1 (potassium calcium-activated channel subfamily M alpha 1; minus strand). Cytogenetic location: 10q22.3.
Variant type: single nucleotide variant.
Coding change: c.1964A>T on transcript NM_001161352.2 (MANE Select); coding-DNA position 1964, A replaced by T.
Protein change: p.Gln655Leu; replaces glutamine 655 with leucine.
Molecular consequence: missense variant.
Genome position (GRCh38, 1-based): chr10:77,019,064, T>A on the plus strand (A>T on the coding strand, the complement: KCNMA1 is on the minus strand). VCF-style: chr10-77019064-T-A. GRCh37 (hg19) VCF-style: chr10-78778822-T-A.
Other names: c.1976A>T, p.Gln659Leu (NM_001014797.3, NM_001322830.2, NM_001322835.2 and 1 more transcripts); c.1964A>T, p.Gln655Leu (NM_001161353.2, NM_001271519.2, NM_001322829.2 and 3 more transcripts); c.1814A>T, p.Gln605Leu (NM_001271518.2); c.1424A>T, p.Gln475Leu (NM_001322838.2); short protein forms Q605L, Q659L, Q475L, Q655L.
Identifiers: ClinVar variation 948555 (VCV000948555.1), dbSNP rs2092523707, ClinGen allele CA377408213.

ClinVar aggregate classification (germline): Uncertain significance (1 of 4 stars; one submission).

Conditions:
Generalized epilepsy-paroxysmal dyskinesia syndrome (PNKD3). Also called: Paroxysmal nonkinesigenic dyskinesia, 3, with or without generalized epilepsy; Generalized epilepsy and paroxysmal dyskinesia. Identifiers: Orphanet 79137, MedGen C5574945, MONDO:0012276, OMIM 609446.

Submission:

Labcorp Genetics (formerly Invitae), Labcorp
Classification: Uncertain significance for Paroxysmal nonkinesigenic dyskinesia, 3, with or without generalized epilepsy. Last evaluated: 2019-08-05. Review status: criteria provided, single submitter. Criteria: Invitae Variant Classification Sherloc (09022015). Collection method: clinical testing. Allele origin: germline.
Comment: This sequence change replaces glutamine with leucine at codon 655 of the KCNMA1 protein (p.Gln655Leu). The glutamine residue is highly conserved and there is a moderate physicochemical difference between glutamine and leucine. This variant is not present in population databases (ExAC no frequency). This variant has not been reported in the literature in individuals with KCNMA1-related conditions. Algorithms developed to predict the effect of missense changes on protein structure and function are either unavailable or do not agree on the potential impact of this missense change (SIFT: "Deleterious"; PolyPhen-2: "Benign"; Align-GVGD: "Class C25"). In summary, the available evidence is currently insufficient to determine the role of this variant in disease. Therefore, it has been classified as a Variant of Uncertain Significance.